The following is an entry in ClinVar:

ClinVar aggregate classification (germline): Uncertain significance (1 of 4 stars; one submission).

Conditions:
Adenylosuccinate lyase deficiency (ADSLD). Also called: ADSL DEFICIENCY. Identifiers: Orphanet 46, MedGen C0268126, MONDO:0007068, OMIM 103050.

Submission:

Labcorp Genetics (formerly Invitae), Labcorp
Classification: Uncertain significance for Adenylosuccinate lyase deficiency. Last evaluated: 2021-09-26. Review status: criteria provided, single submitter. Criteria: Invitae Variant Classification Sherloc (09022015). Collection method: clinical testing. Allele origin: germline.
Comment: The frequency data for this variant in the population databases is considered unreliable, as metrics indicate insufficient coverage at this position in the ExAC database. In summary, the available evidence is currently insufficient to determine the role of this variant in disease. Therefore, it has been classified as a Variant of Uncertain Significance. Experimental studies and prediction algorithms are not available or were not evaluated, and the functional significance of this variant is currently unknown. This variant has not been reported in the literature in individuals affected with ADSL-related conditions. This variant occurs in a non-coding region of the ADSL gene. It does not change the encoded amino acid sequence of the ADSL protein.

NC_000022.11:g.40346089C>T

Gene: ADSL (adenylosuccinate lyase; plus strand). Cytogenetic location: 22q13.1.
Variant type: single nucleotide variant.
Genome position: GRCh38 VCF-style: chr22-40346089-C-T. GRCh37 (hg19) VCF-style: chr22-40742093-C-T.
Identifiers: ClinVar variation 1461697 (VCV001461697.6), dbSNP rs2146609641, ClinGen allele CA2573158346.